The following is an entry in ClinVar:

NM_001942.4(DSG1):c.1256C>A (p.Thr419Lys)

Gene: DSG1 (desmoglein 1; plus strand). Cytogenetic location: 18q12.1.
Variant type: single nucleotide variant.
Coding change: c.1256C>A on transcript NM_001942.4 (MANE Select); coding-DNA position 1256, C replaced by A.
Protein change: p.Thr419Lys; replaces threonine 419 with lysine.
Molecular consequence: missense variant.
Genome position (GRCh38, 1-based): chr18:31,336,604, C>A. VCF-style: chr18-31336604-C-A. GRCh37 (hg19) VCF-style: chr18-28916567-C-A.
Other names: short protein forms T419K.
Identifiers: ClinVar variation 3623770 (VCV003623770.2).
Genomic context (GRCh38, chr18:31,336,604, plus strand): 5'-GATCAAATGATAAAGTGGGAGACTTTGTAGCTACTGACCTGGACACAGGTAGACCTTCAA[C>A]GACTGTTAGGTAAGAATGAGATTTTCAACTAATTTTCCTTACATATTGAACTTAAGTACA-3'
Protein context (NP_001933.2, residues 409-429): ATDLDTGRPS[Thr419Lys]TVRYVMGNNP

ClinVar aggregate classification (germline): Uncertain significance (1 of 4 stars; one submission).

gnomAD v4.1: 17 of 1,613,968 alleles (0.0011%); highest among the groups gnomAD compares: Non-Finnish European, 0.0014%; no homozygotes.

Submission:

Labcorp Genetics (formerly Invitae), Labcorp
Classification: Uncertain significance. Last evaluated: 2024-11-13. Review status: criteria provided, single submitter. Criteria: Invitae Variant Classification Sherloc (09022015). Collection method: clinical testing. Allele origin: germline.
Comment: This sequence change replaces threonine, which is neutral and polar, with lysine, which is basic and polar, at codon 419 of the DSG1 protein (p.Thr419Lys). This variant is not present in population databases (gnomAD no frequency). This variant has not been reported in the literature in individuals affected with DSG1-related conditions. Invitae Evidence Modeling of protein sequence and biophysical properties (such as structural, functional, and spatial information, amino acid conservation, physicochemical variation, residue mobility, and thermodynamic stability) indicates that this missense variant is not expected to disrupt DSG1 protein function with a negative predictive value of 80%. In summary, the available evidence is currently insufficient to determine the role of this variant in disease. Therefore, it has been classified as a Variant of Uncertain Significance.